The following is an entry in ClinVar:

NM_001953.5(TYMP):c.1110G>T (p.Gln370His)

Genes: SCO2 (synthesis of cytochrome C oxidase 2; minus strand), TYMP (thymidine phosphorylase; minus strand), LOC130067862 (ATAC-STARR-seq lymphoblastoid silent region 13986; plus strand). Cytogenetic location: 22q13.33.
Variant type: single nucleotide variant.
Coding change: c.1110G>T on transcript NM_001953.5 (MANE Select); coding-DNA position 1110, G replaced by T.
Protein change: p.Gln370His; replaces glutamine 370 with histidine.
Molecular consequence: missense variant. On other transcripts: 5 prime UTR variant (1).
Genome position (GRCh38, 1-based): chr22:50,526,295, C>A on the plus strand (G>T on the coding strand, the complement: TYMP is on the minus strand). VCF-style: chr22-50526295-C-A. GRCh37 (hg19) VCF-style: chr22-50964724-C-A.
Other names: c.1110G>T, p.Gln370His (NM_001113755.3, NM_001113756.3, NM_001257988.1 and 1 more transcripts); c.-63G>T (NM_001169109.2); short protein forms Q370H.
Identifiers: ClinVar variation 2504710 (VCV002504710.2), dbSNP rs754410018, ClinGen allele CA10321486.
Genomic context (GRCh38, chr22:50,526,295, plus strand): 5'-CCGACGCTCACCATCTGCGGGCGCCAGCAGCTCCTCCTGCTCCCGGGCGCGAGGCAGCAG[C>A]TGCCGGCGTTCTGCGGGACTTCCCGAGCACAGGGCTCGGGCCAGACCGGGATCCACGCCC-3'
Protein context (NP_001944.1, residues 360-380): LCSGSPAERR[Gln370His]LLPRAREQEE

ClinVar aggregate classification (germline): Uncertain significance. Review status: criteria provided, multiple submitters, no conflicts (2 of 4 stars). 2 submissions from 2 submitters: Uncertain significance (2). Last evaluated 2024-03-07.

Conditions:
Inborn genetic diseases. Identifiers: MedGen C0950123, MeSH D030342.

Allele frequency attached by ClinVar (database versions not stated): gnomAD 0.00006; 1000 Genomes Project 30x 0.00016; ExAC 0.00024.
gnomAD v4.1: 51 of 1,554,614 alleles (0.0033%); highest among the groups gnomAD compares: East Asian, 0.12%; no homozygotes.

Submissions (2):

Ambry Genetics
Classification: Uncertain significance for Inborn genetic diseases. Last evaluated: 2024-03-07. Review status: criteria provided, single submitter. Criteria: Ambry Variant Classification Scheme 2023. Collection method: clinical testing. Allele origin: germline.

GeneDx
Classification: Uncertain significance. Last evaluated: 2022-12-07. Review status: criteria provided, single submitter. Criteria: GeneDx Variant Classification Process June 2021. Collection method: clinical testing. Allele origin: germline. Affected: yes.
Comment: In silico analysis supports that this missense variant does not alter protein structure/function; Has not been previously published as pathogenic or benign to our knowledge